The following is an entry in ClinVar:

NM_004431.5(EPHA2):c.943C>T (p.Arg315Trp)

Gene: EPHA2 (EPH receptor A2; minus strand). Cytogenetic location: 1p36.13.
Variant type: single nucleotide variant.
Coding change: c.943C>T on transcript NM_004431.5 (MANE Select); coding-DNA position 943, C replaced by T.
Protein change: p.Arg315Trp; replaces arginine 315 with tryptophan.
Molecular consequence: missense variant.
Genome position (GRCh38, 1-based): chr1:16,138,311, G>A on the plus strand (C>T on the coding strand, the complement: EPHA2 is on the minus strand). VCF-style: chr1-16138311-G-A. GRCh37 (hg19) VCF-style: chr1-16464806-G-A.
Other names: c.781C>T, p.Arg261Trp (NM_001329090.2); c.943C>T (NM_004431.3); short protein forms R261W, R315W.
Identifiers: ClinVar variation 3238937 (VCV003238937.4), dbSNP rs773494301.
Genomic context (GRCh38, chr1:16,138,311, plus strand): 5'-ACCCTGACCCACTGCAAGACTCACGTGTGCAAGGCATCGACGCTGGGTCCTGAGGTGCCC[G>A]GAAGAAGCCTTCCTCACACTCGCAGGAGGTGGCACCCTCAGGGGATGGCAGCGTGTGCTC-3'
Protein context (NP_004422.2, residues 305-325): TSCECEEGFF[Arg315Trp]APQDPASMPC

ClinVar aggregate classification (germline): Uncertain significance. Review status: criteria provided, multiple submitters, no conflicts (2 of 4 stars). 3 submissions from 3 submitters: Uncertain significance (2). 1 of the submissions does not count toward it. Last evaluated 2025-10-18.

Conditions:
Inborn genetic diseases. Identifiers: MedGen C0950123, MeSH D030342.
Cataract 6 multiple types. Also called: CATARACT, AGE-RELATED CORTICAL, 2; CATARACT 6, POSTERIOR POLAR; CATARACT 6, CONGENITAL TOTAL. Identifiers: Orphanet 91492, MedGen C1861825, MONDO:0007288, OMIM 116600.
Meniere disease. Also called: Ménière's disease. Identifiers: MedGen C0025281, MONDO:0007972, OMIM 156000.

Allele frequency attached by ClinVar (database versions not stated): gnomAD 0.00001; gnomAD exomes 0.00001; ExAC 0.00002; TOPMed 0.00002.
gnomAD v4.1: 17 of 1,613,424 alleles (0.0011%); highest among the groups gnomAD compares: Admixed American, 0.01%; no homozygotes.

Submissions (3):

Ambry Genetics
Classification: Uncertain significance for Inborn genetic diseases. Last evaluated: 2025-10-18. Review status: criteria provided, single submitter. Criteria: Ambry Variant Classification Scheme 2023. Collection method: clinical testing. Allele origin: germline.

Labcorp Genetics (formerly Invitae), Labcorp
Classification: Uncertain significance for Cataract 6 multiple types. Last evaluated: 2024-04-11. Review status: criteria provided, single submitter. Criteria: Invitae Variant Classification Sherloc (09022015). Collection method: clinical testing. Allele origin: germline.
Comment: This sequence change replaces arginine, which is basic and polar, with tryptophan, which is neutral and slightly polar, at codon 315 of the EPHA2 protein (p.Arg315Trp). This variant is present in population databases (rs773494301, gnomAD 0.01%). This variant has not been reported in the literature in individuals affected with EPHA2-related conditions. Advanced modeling of protein sequence and biophysical properties (such as structural, functional, and spatial information, amino acid conservation, physicochemical variation, residue mobility, and thermodynamic stability) performed at Invitae indicates that this missense variant is expected to disrupt EPHA2 protein function with a positive predictive value of 80%. In summary, the available evidence is currently insufficient to determine the role of this variant in disease. Therefore, it has been classified as a Variant of Uncertain Significance.

Center for Computational Biology & Bioinformatics, University of California, San Diego
Classification: Uncertain significance for Meniere disease. Last evaluated: 2024-06-03. Review status: no assertion criteria provided. Collection method: research. Allele origin: germline. Affected: yes. Not counted in ClinVar's aggregate classification.